The following is an entry in ClinVar:

ClinVar aggregate classification (germline): Uncertain significance (1 of 4 stars; one submission).

gnomAD v4.1: 5 of 1,614,082 alleles (0.00031%); highest among the groups gnomAD compares: African/African-American, 0.0013%; no homozygotes.

Submission:

Ambry Genetics
Classification: Uncertain significance. Last evaluated: 2025-09-26. Review status: criteria provided, single submitter. Criteria: Ambry Variant Classification Scheme 2023. Collection method: clinical testing. Allele origin: germline.
Comment: The c.148G>A (p.V50M) alteration is located in exon (coding exon ) of the ASIC2 gene. This alteration results from a G to A substitution at nucleotide position 148, causing the valine (V) at amino acid position 50 to be replaced by a methionine (M). Based on insufficient or conflicting evidence, the clinical significance of this alteration remains unclear.

NM_001094.5(ASIC2):c.148G>A (p.Val50Met)

Genes: ASIC2 (acid sensing ion channel subunit 2; minus strand), LOC105371735 (uncharacterized LOC105371735; plus strand). Cytogenetic location: 17q12.
Variant type: single nucleotide variant.
Coding change: c.148G>A on transcript NM_001094.5; coding-DNA position 148, G replaced by A.
Protein change: p.Val50Met; replaces valine 50 with methionine.
Molecular consequence: missense variant. On other transcripts: non-coding transcript variant (1).
Genome position (GRCh38, 1-based): chr17:34,156,385, C>T on the plus strand (G>A on the coding strand, the complement: ASIC2 is on the minus strand). VCF-style: chr17-34156385-C-T. GRCh37 (hg19) VCF-style: chr17-32483404-C-T.
Other names: short protein forms V50M.
Identifiers: ClinVar variation 4643475 (VCV004643475.1).